The following is an entry in ClinVar:

NM_022114.4(PRDM16):c.1829C>T (p.Thr610Ile)

Gene: PRDM16 (PR/SET domain 16; plus strand). Cytogenetic location: 1p36.32.
Variant type: single nucleotide variant.
Coding change: c.1829C>T on transcript NM_022114.4 (MANE Select); coding-DNA position 1829, C replaced by T.
Protein change: p.Thr610Ile; replaces threonine 610 with isoleucine.
Molecular consequence: missense variant.
Genome position (GRCh38, 1-based): chr1:3,412,026, C>T. VCF-style: chr1-3412026-C-T. GRCh37 (hg19) VCF-style: chr1-3328590-C-T.
Other names: c.1829C>T, p.Thr610Ile (NM_199454.3); short protein forms T610I.
Identifiers: ClinVar variation 1483325 (VCV001483325.6), dbSNP rs1231085914, ClinGen allele CA337999125.

ClinVar aggregate classification (germline): Uncertain significance (1 of 4 stars; one submission).

Conditions:
Left ventricular noncompaction 8 (LVNC8). Identifiers: Orphanet 154, Orphanet 54260, MedGen C3809288, MONDO:0014152, OMIM 615373.

Allele frequency attached by ClinVar (database versions not stated): gnomAD exomes below 0.00001; TOPMed below 0.00001.
gnomAD v4.1: 1 of 1,613,270 alleles (0.000062%); highest among the groups gnomAD compares: Admixed American, 0.0017%; no homozygotes.

Submission:

Labcorp Genetics (formerly Invitae), Labcorp
Classification: Uncertain significance for Left ventricular noncompaction 8. Last evaluated: 2021-08-04. Review status: criteria provided, single submitter. Criteria: Invitae Variant Classification Sherloc (09022015). Collection method: clinical testing. Allele origin: germline.
Comment: Algorithms developed to predict the effect of missense changes on protein structure and function (SIFT, PolyPhen-2, Align-GVGD) all suggest that this variant is likely to be disruptive. This sequence change replaces threonine with isoleucine at codon 610 of the PRDM16 protein (p.Thr610Ile). The threonine residue is highly conserved and there is a moderate physicochemical difference between threonine and isoleucine. This variant is not present in population databases (ExAC no frequency). This variant has not been reported in the literature in individuals affected with PRDM16-related conditions. In summary, the available evidence is currently insufficient to determine the role of this variant in disease. Therefore, it has been classified as a Variant of Uncertain Significance.